The following is an entry in ClinVar:

ClinVar aggregate classification (germline): Likely pathogenic (1 of 4 stars; one submission).

Conditions:
Vitamin D-dependent rickets, type 1A. Also called: VITAMIN D HYDROXYLATION-DEFICIENT RICKETS, TYPE 1A; PDDR IA; PSEUDOVITAMIN D-DEFICIENCY RICKETS, TYPE IA. Identifiers: MedGen CN283242, MONDO:0020723, OMIM 264700.

Submission:

Neuberg Centre For Genomic Medicine, NCGM
Classification: Likely pathogenic for Vitamin D-dependent rickets, type 1A. Last evaluated: 2023-06-22. Review status: criteria provided, single submitter. Criteria: ACMG Guidelines, 2015. Collection method: clinical testing. Allele origin: germline. Inheritance: Autosomal recessive inheritance. Affected: yes.
Comment: The observed stop gained c.1034C>G(p.Ser345Ter) variant in CYP27B1 gene has not been reported previously as a pathogenic variant nor as a benign variant, to our knowledge. This variant is absent in gnomAD Exomes. This variant is predicted to cause loss of normal protein function either through protein truncation or nonsense-mediated mRNA decay. Loss of function variants have been previously reported to be disease causing (Kim et al., 2007). Computational evidence (MutationTaster - Disease causing automatic) predicts damaging effect on protein structure and function for this variant. For these reasons, this variant has been classified as Likely Pathogenic.

NM_000785.4(CYP27B1):c.1034C>G (p.Ser345Ter)

Gene: CYP27B1 (cytochrome P450 family 27 subfamily B member 1; minus strand). Cytogenetic location: 12q14.1.
Variant type: single nucleotide variant.
Coding change: c.1034C>G on transcript NM_000785.4 (MANE Select); coding-DNA position 1034, C replaced by G.
Protein change: p.Ser345Ter; replaces serine 345 with a stop codon.
Molecular consequence: nonsense.
Genome position (GRCh38, 1-based): chr12:57,764,480, G>C on the plus strand (C>G on the coding strand, the complement: CYP27B1 is on the minus strand). VCF-style: chr12-57764480-G-C. GRCh37 (hg19) VCF-style: chr12-58158263-G-C.
Other names: short protein forms S345*.
Identifiers: ClinVar variation 3731458 (VCV003731458.1).